The following is an entry in ClinVar:

ClinVar aggregate classification (germline): Uncertain significance (1 of 4 stars; one submission).

Conditions:
Craniolenticulosutural dysplasia (CLSD). Also called: BOYADJIEV-JABS SYNDROME. Identifiers: Orphanet 50814, MedGen C1843042, MONDO:0011911, OMIM 607812.

gnomAD v4.1: 18 of 1,612,522 alleles (0.0011%); highest among the groups gnomAD compares: African/African-American, 0.0027%; no homozygotes.

Submission:

Labcorp Genetics (formerly Invitae), Labcorp
Classification: Uncertain significance for Craniolenticulosutural dysplasia. Last evaluated: 2025-05-12. Review status: criteria provided, single submitter. Criteria: Invitae Variant Classification Sherloc (09022015). Collection method: clinical testing. Allele origin: germline.
Comment: This sequence change replaces arginine, which is basic and polar, with cysteine, which is neutral and slightly polar, at codon 285 of the SEC23A protein (p.Arg285Cys). This variant is present in population databases (rs781623346, gnomAD 0.007%). This variant has not been reported in the literature in individuals affected with SEC23A-related conditions. ClinVar contains an entry for this variant (Variation ID: 3628996). Invitae Evidence Modeling of protein sequence and biophysical properties (such as structural, functional, and spatial information, amino acid conservation, physicochemical variation, residue mobility, and thermodynamic stability) has been performed for this missense variant. However, the output from this modeling did not meet the statistical confidence thresholds required to predict the impact of this variant on SEC23A protein function. In summary, the available evidence is currently insufficient to determine the role of this variant in disease. Therefore, it has been classified as a Variant of Uncertain Significance.

NM_006364.4(SEC23A):c.853C>T (p.Arg285Cys)

Gene: SEC23A (SEC23 homolog A, COPII component; minus strand). Cytogenetic location: 14q21.1.
Variant type: single nucleotide variant.
Coding change: c.853C>T on transcript NM_006364.4 (MANE Select); coding-DNA position 853, C replaced by T.
Protein change: p.Arg285Cys; replaces arginine 285 with cysteine.
Molecular consequence: missense variant.
Genome position (GRCh38, 1-based): chr14:39,076,069, G>A on the plus strand (C>T on the coding strand, the complement: SEC23A is on the minus strand). VCF-style: chr14-39076069-G-A. GRCh37 (hg19) VCF-style: chr14-39545273-G-A.
Other names: short protein forms R285C.
Identifiers: ClinVar variation 3628996 (VCV003628996.2).